The following is an entry in ClinVar:

ClinVar aggregate classification (germline): Likely benign. Review status: criteria provided, multiple submitters, no conflicts (2 of 4 stars). 3 submissions from 3 submitters: Likely benign (3). Last evaluated 2025-10-23.

Conditions:
Asphyxiating thoracic dystrophy 5 (SRTD5). Also called: SHORT-RIB THORACIC DYSPLASIA 5 WITHOUT POLYDACTYLY; SHORT-RIB THORACIC DYSPLASIA 5 WITH OR WITHOUT POLYDACTYLY. Identifiers: Orphanet 474, MedGen C3280598, MONDO:0013717, OMIM 614376.
Senior-Loken syndrome 8 (SLSN8). Identifiers: Orphanet 3156, MedGen C4225376, MONDO:0014579, OMIM 616307.
WDR19-related disorder. Also called: WDR19-related disorders; WDR19-related condition. Identifiers: MedGen CN380161.

Allele frequency attached by ClinVar (database versions not stated): TOPMed 0.00001; gnomAD 0.00002.
gnomAD v4.1: 6 of 1,610,816 alleles (0.00037%); highest among the groups gnomAD compares: African/African-American, 0.0067%; no homozygotes.

Submissions (3):

PreventionGenetics, part of Exact Sciences
Classification: Likely benign for WDR19-related condition. Last evaluated: 2025-10-23. Review status: criteria provided, single submitter. Criteria: ACMG Guidelines, 2015. Collection method: clinical testing. Allele origin: germline.
Comment: This variant is classified as likely benign based on ACMG/AMP sequence variant interpretation guidelines (Richards et al. 2015 PMID: 25741868, with internal and published modifications).

Labcorp Genetics (formerly Invitae), Labcorp
Classification: Likely benign for Senior-Loken syndrome 8; Asphyxiating thoracic dystrophy 5. Last evaluated: 2023-01-12. Review status: criteria provided, single submitter. Criteria: Invitae Variant Classification Sherloc (09022015). Collection method: clinical testing. Allele origin: germline.

Blueprint Genetics
Classification: Likely benign. Last evaluated: 2022-09-06. Review status: criteria provided, single submitter. Criteria: ACMG Guidelines, 2015. Collection method: clinical testing. Allele origin: germline.

NM_025132.4(WDR19):c.2729+9A>G

Gene: WDR19 (WD repeat domain 19; plus strand). Cytogenetic location: 4p14.
Variant type: single nucleotide variant.
Coding change: c.2729+9A>G on transcript NM_025132.4 (MANE Select); 9 bases into the intron after coding-DNA position 2729, A replaced by G.
Molecular consequence: intron variant.
Genome position (GRCh38, 1-based): chr4:39,245,461, A>G. VCF-style: chr4-39245461-A-G. GRCh37 (hg19) VCF-style: chr4-39247081-A-G.
Other names: c.2249+9A>G (NM_001317924.2); c.2729+9A>G (NM_025132.3).
Identifiers: ClinVar variation 2923791 (VCV002923791.5), dbSNP rs777646893, ClinGen allele CA95682681.
Genomic context (GRCh38, chr4:39,245,461, plus strand): 5'-CTTCTCCTAAGATCCATTTGCAGTATGCCAAAGCCAAGGAAGCAGATGGAAGGTTTGTAC[A>G]CTTTCTCAAATTTATACCAATTTAAAGTAATGTAAGCTTTACAAATTAACCATTGATATT-3'